The following is an entry in ClinVar:

NM_003640.5(ELP1):c.2165G>A (p.Arg722Gln)

Gene: ELP1 (elongator acetyltransferase complex subunit 1; minus strand). Cytogenetic location: 9q31.3.
Variant type: single nucleotide variant.
Coding change: c.2165G>A on transcript NM_003640.5 (MANE Select); coding-DNA position 2165, G replaced by A.
Protein change: p.Arg722Gln; replaces arginine 722 with glutamine.
Molecular consequence: missense variant.
Genome position (GRCh38, 1-based): chr9:108,899,861, C>T on the plus strand (G>A on the coding strand, the complement: ELP1 is on the minus strand). VCF-style: chr9-108899861-C-T. GRCh37 (hg19) VCF-style: chr9-111662141-C-T.
Other names: c.1823G>A, p.Arg608Gln (NM_001318360.2); c.1118G>A, p.Arg373Gln (NM_001330749.2); short protein forms R722Q, R373Q, R608Q.
Identifiers: ClinVar variation 969318 (VCV000969318.7), dbSNP rs370575901, ClinGen allele CA5174753.

ClinVar aggregate classification (germline): Uncertain significance. Review status: criteria provided, multiple submitters, no conflicts (2 of 4 stars). 3 submissions from 3 submitters: Uncertain significance (2). 1 of the submissions does not count toward it. Last evaluated 2024-11-04.

Conditions:
Familial dysautonomia. Also called: HSAN III; FD. Identifiers: Orphanet 1764, MedGen C0013364, MONDO:0009131, OMIM 223900. Disease mechanism: loss of function.
Medulloblastoma (MDB). Also called: Medulloblastoma, somatic; MEDULLOBLASTOMA PREDISPOSITION SYNDROME. Identifiers: Orphanet 616, MedGen C0025149, MeSH D008527, MONDO:0007959, OMIM 155255, HP:0002885.

Allele frequency attached by ClinVar (database versions not stated): gnomAD exomes 0.00002; gnomAD 0.00007; 1000 Genomes Project 0.00020; TOPMed 0.00008; ESP Exome Variant Server 0.00015; 1000 Genomes Project 30x 0.00016; ExAC 0.00002.
gnomAD v4.1: 22 of 1,613,966 alleles (0.0014%); highest among the groups gnomAD compares: African/African-American, 0.011%; no homozygotes.

Submissions (3):

Labcorp Genetics (formerly Invitae), Labcorp
Classification: Uncertain significance. Last evaluated: 2024-11-04. Review status: criteria provided, single submitter. Criteria: Invitae Variant Classification Sherloc (09022015). Collection method: clinical testing. Allele origin: germline.
Comment: This sequence change replaces arginine, which is basic and polar, with glutamine, which is neutral and polar, at codon 722 of the ELP1 protein (p.Arg722Gln). This variant is present in population databases (rs370575901, gnomAD 0.02%). This variant has not been reported in the literature in individuals affected with ELP1-related conditions. ClinVar contains an entry for this variant (Variation ID: 969318). Invitae Evidence Modeling of protein sequence and biophysical properties (such as structural, functional, and spatial information, amino acid conservation, physicochemical variation, residue mobility, and thermodynamic stability) has been performed for this missense variant. However, the output from this modeling did not meet the statistical confidence thresholds required to predict the impact of this variant on ELP1 protein function. In summary, the available evidence is currently insufficient to determine the role of this variant in disease. Therefore, it has been classified as a Variant of Uncertain Significance.

Fulgent Genetics
Classification: Uncertain significance for Medulloblastoma; Familial dysautonomia. Last evaluated: 2022-05-23. Review status: criteria provided, single submitter. Criteria: ACMG Guidelines, 2015. Collection method: clinical testing. Allele origin: unknown.

Natera, Inc.
Classification: Uncertain significance for Familial dysautonomia. Last evaluated: 2020-06-17. Review status: no assertion criteria provided. Collection method: clinical testing. Allele origin: germline. Not counted in ClinVar's aggregate classification.